The following is an entry in ClinVar:

NM_177438.3(DICER1):c.1661G>C (p.Arg554Thr)

Gene: DICER1 (dicer 1, ribonuclease III; minus strand). Cytogenetic location: 14q32.13.
Variant type: single nucleotide variant.
Coding change: c.1661G>C on transcript NM_177438.3 (MANE Select); coding-DNA position 1661, G replaced by C.
Protein change: p.Arg554Thr; replaces arginine 554 with threonine.
Molecular consequence: missense variant. On other transcripts: 5 prime UTR variant (1), non-coding transcript variant (6).
Genome position (GRCh38, 1-based): chr14:95,116,544, C>G on the plus strand (G>C on the coding strand, the complement: DICER1 is on the minus strand). VCF-style: chr14-95116544-C-G. GRCh37 (hg19) VCF-style: chr14-95582881-C-G.
Other names: c.1661G>C, p.Arg554Thr (NM_001195573.1, NM_001271282.3, NM_001291628.2 and 13 more transcripts); c.1379G>C, p.Arg460Thr (NM_001395686.1); c.1256G>C, p.Arg419Thr (NM_001395687.1, NM_001395688.1, NM_001395689.1 and 3 more transcripts); c.1094G>C, p.Arg365Thr (NM_001395691.1); c.-23G>C (NM_001395697.1); short protein forms R365T, R419T, R554T, R460T.
Identifiers: ClinVar variation 2852558 (VCV002852558.3), dbSNP rs2543031152, ClinGen allele CA390884853.

ClinVar aggregate classification (germline): Uncertain significance (1 of 4 stars; one submission).

Conditions:
DICER1-related tumor predisposition. Also called: DICER1-related pleuropulmonary blastoma cancer predisposition syndrome; DICER1 syndrome. Identifiers: Orphanet 284343, MedGen C3839822, MONDO:0100216.

Submission:

Labcorp Genetics (formerly Invitae), Labcorp
Classification: Uncertain significance for DICER1-related tumor predisposition. Last evaluated: 2023-04-06. Review status: criteria provided, single submitter. Criteria: Invitae Variant Classification Sherloc (09022015). Collection method: clinical testing. Allele origin: germline.
Comment: This variant has not been reported in the literature in individuals affected with DICER1-related conditions. This sequence change replaces arginine, which is basic and polar, with threonine, which is neutral and polar, at codon 554 of the DICER1 protein (p.Arg554Thr). This variant is not present in population databases (gnomAD no frequency). Advanced modeling of protein sequence and biophysical properties (such as structural, functional, and spatial information, amino acid conservation, physicochemical variation, residue mobility, and thermodynamic stability) performed at Invitae indicates that this missense variant is expected to disrupt DICER1 protein function. In summary, the available evidence is currently insufficient to determine the role of this variant in disease. Therefore, it has been classified as a Variant of Uncertain Significance.